The following is an entry in ClinVar:

ClinVar aggregate classification (germline): Uncertain significance (1 of 4 stars; one submission).

Allele frequency attached by ClinVar (database versions not stated): TOPMed below 0.00001.

Submission:

Labcorp Genetics (formerly Invitae), Labcorp
Classification: Uncertain significance. Last evaluated: 2020-12-20. Review status: criteria provided, single submitter. Criteria: Invitae Variant Classification Sherloc (09022015). Collection method: clinical testing. Allele origin: germline.
Comment: In summary, the available evidence is currently insufficient to determine the role of this variant in disease. Therefore, it has been classified as a Variant of Uncertain Significance. Algorithms developed to predict the effect of missense changes on protein structure and function are either unavailable or do not agree on the potential impact of this missense change (SIFT: "Deleterious"; PolyPhen-2: "Probably Damaging"; Align-GVGD: "Class C0"). This variant has not been reported in the literature in individuals with TCIRG1-related conditions. This variant is not present in population databases (ExAC no frequency). This sequence change replaces tryptophan with cysteine at codon 520 of the TCIRG1 protein (p.Trp520Cys). The tryptophan residue is highly conserved and there is a large physicochemical difference between tryptophan and cysteine.

NM_006019.4(TCIRG1):c.1560G>C (p.Trp520Cys)

Gene: TCIRG1 (T cell immune regulator 1, ATPase H+ transporting V0 subunit a3; plus strand). Cytogenetic location: 11q13.2.
Variant type: single nucleotide variant.
Coding change: c.1560G>C on transcript NM_006019.4 (MANE Select); coding-DNA position 1560, G replaced by C.
Protein change: p.Trp520Cys; replaces tryptophan 520 with cysteine.
Molecular consequence: missense variant.
Genome position (GRCh38, 1-based): chr11:68,048,884, G>C. VCF-style: chr11-68048884-G-C. GRCh37 (hg19) VCF-style: chr11-67816351-G-C.
Other names: c.666G>C, p.Trp222Cys (NM_001351059.2); c.912G>C, p.Trp304Cys (NM_006053.4); short protein forms W222C, W304C, W520C.
Identifiers: ClinVar variation 1470358 (VCV001470358.6), dbSNP rs1366709820, ClinGen allele CA381584861.